The following is an entry in ClinVar:

ClinVar aggregate classification (germline): Uncertain significance (1 of 4 stars; one submission).

Conditions:
OPTN-related disorder. Also called: OPTN-related condition; OPTN-related disorders.

gnomAD v4.1: 2 of 1,614,168 alleles (0.00012%); highest among the groups gnomAD compares: Non-Finnish European, 0.00017%; no homozygotes.

Submission:

PreventionGenetics, part of Exact Sciences
Classification: Uncertain significance for OPTN-related condition. Last evaluated: 2026-05-18. Review status: criteria provided, single submitter. Criteria: ACMG Guidelines, 2015. Collection method: clinical testing. Allele origin: germline.
Comment: The OPTN c.1679A>G variant is predicted to result in the amino acid substitution p.Glu560Gly. To our knowledge, this variant has not been reported in the literature or in a large population database (gnomAD), indicating this variant is rare. At this time, the clinical significance of this variant is uncertain due to the absence of conclusive functional and genetic evidence.

NM_001008212.2(OPTN):c.1679A>G (p.Glu560Gly)

Gene: OPTN (optineurin; plus strand). Cytogenetic location: 10p13.
Variant type: single nucleotide variant.
Coding change: c.1679A>G on transcript NM_001008212.2 (MANE Select); coding-DNA position 1679, A replaced by G.
Protein change: p.Glu560Gly; replaces glutamic acid 560 with glycine.
Molecular consequence: missense variant.
Genome position (GRCh38, 1-based): chr10:13,136,811, A>G. VCF-style: chr10-13136811-A-G. GRCh37 (hg19) VCF-style: chr10-13178811-A-G.
Other names: c.1679A>G, p.Glu560Gly (NM_001008211.1, NM_001008213.1, NM_021980.4); short protein forms E560G.
Identifiers: ClinVar variation 4979712 (VCV004979712.1).
Genomic context (GRCh38, chr10:13,136,811, plus strand): 5'-AGGACAGGGACTGGCGGCAACAGCGGAATATTCCGATTCATTCCTGCCCCAAGTGTGGAG[A>G]GGTTCTGCCTGACATAGACACGTTACAGATTCACGTGATGGATTGCATCATTTAAGTGTT-3'
Protein context (NP_001008213.1, residues 550-570): IPIHSCPKCG[Glu560Gly]VLPDIDTLQI